The following is an entry in ClinVar:

NM_198428.3(BBS9):c.1849A>C (p.Ile617Leu)

Gene: BBS9 (Bardet-Biedl syndrome 9; plus strand). Cytogenetic location: 7p14.3.
Variant type: single nucleotide variant.
Coding change: c.1849A>C on transcript NM_198428.3 (MANE Select); coding-DNA position 1849, A replaced by C.
Protein change: p.Ile617Leu; replaces isoleucine 617 with leucine.
Molecular consequence: missense variant. On other transcripts: non-coding transcript variant (3).
Genome position (GRCh38, 1-based): chr7:33,383,725, A>C. VCF-style: chr7-33383725-A-C. GRCh37 (hg19) VCF-style: chr7-33423337-A-C.
Other names: p.Ile617Leu; c.1744A>C, p.Ile582Leu (NM_001033604.2); c.1834A>C, p.Ile612Leu (NM_001033605.2); c.1849A>C, p.Ile617Leu (NM_001348036.1, NM_001348041.4, NM_001348043.3 and 1 more transcripts); c.1483A>C, p.Ile495Leu (NM_001348037.3, NM_001348045.3, NM_001348046.3); c.1576A>C, p.Ile526Leu (NM_001348038.3); c.1471A>C, p.Ile491Leu (NM_001348039.3); c.1729A>C, p.Ile577Leu (NM_001348040.3, NM_014451.4); and 2 more; short protein forms I617L, I526L, I612L, I460L, I495L, I582L, I491L, I572L.
Identifiers: ClinVar variation 263122 (VCV000263122.19), dbSNP rs34209904, ClinGen allele CA4214530.

ClinVar aggregate classification (germline): Benign/Likely benign. Review status: criteria provided, multiple submitters, no conflicts (2 of 4 stars). 6 submissions from 6 submitters: Benign (3); Likely benign (3). Last evaluated 2026-02-02.

Conditions:
Bardet-Biedl syndrome 9 (BBS9). Identifiers: Orphanet 110, MedGen C1859567, MONDO:0014437, OMIM 615986.
Bardet-Biedl syndrome (BBS). Identifiers: Orphanet 110, MedGen C0752166, MONDO:0015229.

Allele frequency attached by ClinVar (database versions not stated): gnomAD exomes 0.00318; ExAC 0.00486; gnomAD 0.01182 and 0.01256; TOPMed 0.01426; ESP Exome Variant Server 0.01454; 1000 Genomes Project 30x 0.01640; 1000 Genomes Project 0.01717.
gnomAD v4.1: 3,661 of 1,612,222 alleles (0.23%); highest among the groups gnomAD compares: African/African-American, 4.2%; 77 homozygotes.

Submissions (6):

Labcorp Genetics (formerly Invitae), Labcorp
Classification: Benign for Bardet-Biedl syndrome. Last evaluated: 2026-02-02. Review status: criteria provided, single submitter. Criteria: Invitae Variant Classification Sherloc (09022015). Collection method: clinical testing. Allele origin: germline.

Mayo Clinic Laboratories, Mayo Clinic
Classification: Benign. Last evaluated: 2025-03-05. Review status: criteria provided, single submitter. Criteria: ACMG Guidelines, 2015. Collection method: clinical testing. Allele origin: germline. Observed: 2 variant alleles.
Comment: BS1, BS2, BP4_moderate

Center for Pediatric Genomic Medicine, Children's Mercy Hospital and Clinics
Classification: Likely benign. Last evaluated: 2017-05-04. Review status: criteria provided, single submitter. Criteria: ACMG Guidelines, 2015. Collection method: clinical testing. Allele origin: germline.

Illumina Laboratory Services, Illumina
Classification: Likely benign for Bardet-Biedl syndrome 9. Last evaluated: 2017-04-27. Review status: criteria provided, single submitter. Criteria: ICSL Variant Classification Criteria 13 December 2019. Collection method: clinical testing. Allele origin: germline.
Comment: This variant was observed as part of a predisposition screen in an ostensibly healthy population. A literature search was performed for the gene, cDNA change, and amino acid change (where applicable). No publications were found based on this search. Allele frequency data from public databases allowed determination this variant is unlikely to cause disease. Therefore, this variant is classified as likely benign.

Breakthrough Genomics
Classification: Likely benign. Review status: criteria provided, single submitter. Criteria: ACMG Guidelines, 2015. Collection method: not provided. Allele origin: germline. Inheritance: Autosomal recessive inheritance. Affected: yes.

PreventionGenetics, part of Exact Sciences
Classification: Benign. Review status: criteria provided, single submitter. Criteria: ACMG Guidelines, 2015. Collection method: clinical testing. Allele origin: germline.